The following is an entry in ClinVar:

NM_001232.4(CASQ2):c.-137T>C

Gene: CASQ2 (calsequestrin 2; minus strand). Cytogenetic location: 1p13.1.
Variant type: single nucleotide variant.
Coding change: c.-137T>C on transcript NM_001232.4 (MANE Select); 137 bases upstream of the start codon, T replaced by C.
Molecular consequence: 5 prime UTR variant.
Genome position (GRCh38, 1-based): chr1:115,768,678, A>G on the plus strand (T>C on the coding strand, the complement: CASQ2 is on the minus strand). VCF-style: chr1-115768678-A-G. GRCh37 (hg19) VCF-style: chr1-116311299-A-G.
Identifiers: ClinVar variation 292134 (VCV000292134.8), dbSNP rs12069574, ClinGen allele CA10607457.
Genomic context (GRCh38, chr1:115,768,678, plus strand): 5'-TGAGCCAAGGAGAGAGCAGACAGGCTGATTTTCTCTCTTCTTTGCCCTTCCTGGGGCTGA[A>G]AAGTGACTCTTCACCTCCTTGGGTCCAGCCAGCTCTGGAATCGTGGGCTCAGGACAAAGA-3'

ClinVar aggregate classification (germline): Benign. Review status: criteria provided, multiple submitters, no conflicts (2 of 4 stars). 4 submissions from 4 submitters: Benign (4). Last evaluated 2023-04-11.

Conditions:
Catecholaminergic polymorphic ventricular tachycardia 2. Also called: VENTRICULAR TACHYCARDIA, STRESS-INDUCED POLYMORPHIC 2; CASQ2-Related Catecholaminergic Polymorphic Ventricular Tachycardia. Identifiers: Orphanet 3286, MedGen C2677794, MONDO:0012762, OMIM 611938.

Allele frequency attached by ClinVar (database versions not stated): gnomAD exomes 0.00553; gnomAD 0.04801 and 0.05139; TOPMed 0.05368; 1000 Genomes Project 0.05711; 1000 Genomes Project 30x 0.06090.

Submissions (4):

Genome-Nilou Lab
Classification: Benign for Catecholaminergic polymorphic ventricular tachycardia 2. Last evaluated: 2023-04-11. Review status: criteria provided, single submitter. Criteria: ACMG Guidelines, 2015. Collection method: clinical testing. Allele origin: germline. Affected: no.

Illumina Laboratory Services, Illumina
Classification: Benign for Catecholaminergic polymorphic ventricular tachycardia 2. Last evaluated: 2018-01-13. Review status: criteria provided, single submitter. Criteria: ICSL Variant Classification Criteria 13 December 2019. Collection method: clinical testing. Allele origin: germline.
Comment: This variant was observed in the ICSL laboratory as part of a predisposition screen in an ostensibly healthy population. It had not been previously curated by ICSL or reported in the Human Gene Mutation Database (HGMD: prior to June 1st, 2018), and was therefore a candidate for classification through an automated scoring system. Utilizing variant allele frequency, disease prevalence and penetrance estimates, and inheritance mode, an automated score was calculated to assess if this variant is too frequent to cause the disease. Based on the score and internal cut-off values, a variant classified as benign is not then subjected to further curation. The score for this variant resulted in a classification of benign for this disease.

GeneDx
Classification: Benign. Last evaluated: 2015-03-03. Review status: criteria provided, single submitter. Criteria: GeneDx Variant Classification Process June 2021. Collection method: clinical testing. Allele origin: germline. Affected: yes.

Breakthrough Genomics
Classification: Benign. Review status: criteria provided, single submitter. Criteria: ACMG Guidelines, 2015. Collection method: not provided. Allele origin: germline. Inheritance: Autosomal recessive inheritance. Affected: yes.